The following is an entry in ClinVar:

ClinVar aggregate classification (germline): Uncertain significance. Review status: criteria provided, multiple submitters, no conflicts (2 of 4 stars). 4 submissions from 4 submitters: Uncertain significance (4). Last evaluated 2025-09-08.

Conditions:
Hereditary cancer-predisposing syndrome. Also called: Neoplastic Syndromes, Hereditary; Tumor predisposition; Hereditary Cancer Syndrome; Hereditary neoplastic syndrome. Identifiers: Orphanet 140162, MedGen C0027672, MeSH D009386, MONDO:0015356.
Familial cancer of breast. Also called: BREAST CANCER, FAMILIAL; Hereditary breast cancer; hereditary breast carcinoma. Identifiers: Orphanet 227535, MedGen C0346153, MONDO:0016419, OMIM 114480. Disease mechanism: loss of function.

gnomAD v4.1: 7 of 1,613,904 alleles (0.00043%); highest among the groups gnomAD compares: East Asian, 0.0022%; no homozygotes.

Submissions (4):

Labcorp Genetics (formerly Invitae), Labcorp
Classification: Uncertain significance for Familial cancer of breast. Last evaluated: 2025-09-08. Review status: criteria provided, single submitter. Criteria: Invitae Variant Classification Sherloc (09022015). Collection method: clinical testing. Allele origin: germline.
Comment: This sequence change replaces aspartic acid, which is acidic and polar, with tyrosine, which is neutral and polar, at codon 385 of the BARD1 protein (p.Asp385Tyr). This variant is present in population databases (rs587782436, gnomAD 0.006%). This variant has not been reported in the literature in individuals affected with BARD1-related conditions. ClinVar contains an entry for this variant (Variation ID: 142400). An algorithm developed to predict the effect of missense changes on protein structure and function (PolyPhen-2) suggests that this variant is likely to be disruptive. In summary, the available evidence is currently insufficient to determine the role of this variant in disease. Therefore, it has been classified as a Variant of Uncertain Significance.

Ambry Genetics
Classification: Uncertain significance for Hereditary cancer-predisposing syndrome. Last evaluated: 2025-06-12. Review status: criteria provided, single submitter. Criteria: Ambry Variant Classification Scheme 2023. Collection method: clinical testing. Allele origin: germline.

GeneDx
Classification: Uncertain significance. Last evaluated: 2024-05-06. Review status: criteria provided, single submitter. Criteria: GeneDx Variant Classification Process June 2021. Collection method: clinical testing. Allele origin: germline. Affected: yes.
Comment: Not observed at significant frequency in large population cohorts (gnomAD); In silico analysis supports that this missense variant has a deleterious effect on protein structure/function; Has not been previously published as pathogenic or benign to our knowledge

Color Diagnostics, LLC DBA Color Health
Classification: Uncertain significance for Hereditary cancer-predisposing syndrome. Last evaluated: 2020-07-21. Review status: criteria provided, single submitter. Criteria: ACMG Guidelines, 2015. Collection method: clinical testing. Allele origin: germline.
Comment: This missense variant replaces aspartic acid with tyrosine at codon 385 of the BARD1 protein. Computational prediction suggests that this variant may not impact protein structure and function (internally defined REVEL score threshold <= 0.5, PMID: 27666373). To our knowledge, functional studies have not been reported for this variant. This variant has not been reported in individuals affected with hereditary cancer in the literature. This variant has been identified in 2/251204 chromosomes in the general population by the Genome Aggregation Database (gnomAD). The available evidence is insufficient to determine the role of this variant in disease conclusively. Therefore, this variant is classified as a Variant of Uncertain Significance.

NM_000465.4(BARD1):c.1153G>T (p.Asp385Tyr)

Gene: BARD1 (BRCA1 associated RING domain 1; minus strand). Cytogenetic location: 2q35.
Variant type: single nucleotide variant.
Coding change: c.1153G>T on transcript NM_000465.4 (MANE Select); coding-DNA position 1153, G replaced by T.
Protein change: p.Asp385Tyr; replaces aspartic acid 385 with tyrosine.
Molecular consequence: missense variant. On other transcripts: non-coding transcript variant (2), intron variant (3).
Genome position (GRCh38, 1-based): chr2:214,780,721, C>A on the plus strand (G>T on the coding strand, the complement: BARD1 is on the minus strand). VCF-style: chr2-214780721-C-A. GRCh37 (hg19) VCF-style: chr2-215645445-C-A.
Other names: c.1096G>T, p.Asp366Tyr (NM_001282543.2); c.159-28166G>T (NM_001282548.2); c.215+16340G>T (NM_001282545.2); c.364+11576G>T (NM_001282549.2); short protein forms D385Y, D366Y.
Identifiers: ClinVar variation 142400 (VCV000142400.23), dbSNP rs587782436, ClinGen allele CA168239.